The following is an entry in ClinVar:

NM_003480.4(MFAP5):c.364_366del (p.Glu122del)

Gene: MFAP5 (microfibril associated protein 5; minus strand). Cytogenetic location: 12p13.31.
Variant type: Deletion.
Coding change: c.364_366del on transcript NM_003480.4 (MANE Select); coding-DNA positions 364 to 366, 3 bases deleted (GAG; older notation c.364_366delGAG).
Protein change: p.Glu122del; deletes glutamic acid 122.
Molecular consequence: inframe deletion. On other transcripts: non-coding transcript variant (2), intron variant (1).
Genome position (GRCh38, 1-based): chr12:8,649,544-8,649,546, CTC deleted on the plus strand (GAG on the coding strand, the reverse complement: MFAP5 is on the minus strand); deleting any 3 consecutive bases within chr12:8,649,544-8,649,548 gives the same sequence; the c. name uses the placement nearest the transcript's 3' end. VCF-style (leftmost placement, unchanged base first): chr12-8649543-TCTC-T. GRCh37 (hg19) VCF-style: chr12-8802139-TCTC-T.
Other names: c.334_336del, p.Glu112del (NM_001297709.2); c.298_300del, p.Glu100del (NM_001297710.2); c.289_291del, p.Glu97del (NM_001297711.2); c.218-1343_218-1341del (NM_001297712.2); c.364_366delGAG (NM_003480.3); short protein forms E112del, E100del, E122del, E97del.
Identifiers: ClinVar variation 2883422 (VCV002883422.4), dbSNP rs1941775318, ClinGen allele CA2015132274.
Genomic context (GRCh38, chr12:8,649,543, plus strand): 5'-ATCCAGACATCATCTTACCTTTCATAGCTTCGTGTTCCTTACAGACAAGACGAGAGCAGA[TCTC>T]CTTGTTGACGATGTACATACGTCGTAAACTGCAGACGTCCCAGTGTCATAGGCAAGGAAG-3'

ClinVar aggregate classification (germline): Uncertain significance. Review status: criteria provided, single submitter (1 of 4 stars). 2 submissions from 2 submitters: Uncertain significance (1). 1 of the submissions does not count toward it. Last evaluated 2025-12-17.

Conditions:
MFAP5-related disorder. Also called: MFAP5-related condition.

Submissions (2):

Labcorp Genetics (formerly Invitae), Labcorp
Classification: Uncertain significance. Last evaluated: 2025-12-17. Review status: criteria provided, single submitter. Criteria: Invitae Variant Classification Sherloc (09022015). Collection method: clinical testing. Allele origin: germline.
Comment: This variant, c.364_366del, results in the deletion of 1 amino acid(s) of the MFAP5 protein (p.Glu122del), but otherwise preserves the integrity of the reading frame. This variant is not present in population databases (gnomAD no frequency). This variant has not been reported in the literature in individuals affected with MFAP5-related conditions. ClinVar contains an entry for this variant (Variation ID: 2883422). Experimental studies and prediction algorithms are not available or were not evaluated, and the functional significance of this variant is currently unknown. In summary, the available evidence is currently insufficient to determine the role of this variant in disease. Therefore, it has been classified as a Variant of Uncertain Significance.

PreventionGenetics, part of Exact Sciences
Classification: Uncertain significance for MFAP5-related condition. Last evaluated: 2024-04-25. Review status: no assertion criteria provided. Collection method: clinical testing. Allele origin: germline. Not counted in ClinVar's aggregate classification.
Comment: The MFAP5 c.364_366delGAG variant is predicted to result in an in-frame deletion (p.Glu122del). To our knowledge, this variant has not been reported in the literature or in a large population database, indicating this variant is rare. At this time, the clinical significance of this variant is uncertain due to the absence of conclusive functional and genetic evidence.